The following is an entry in ClinVar:

ClinVar aggregate classification (germline): Uncertain significance (1 of 4 stars; one submission).

gnomAD v4.1: 6 of 1,614,194 alleles (0.00037%); highest among the groups gnomAD compares: Admixed American, 0.0017%; no homozygotes.

Submission:

GeneDx
Classification: Uncertain significance. Last evaluated: 2024-06-13. Review status: criteria provided, single submitter. Criteria: GeneDx Variant Classification Process June 2021. Collection method: clinical testing. Allele origin: germline. Affected: yes.
Comment: Not observed at significant frequency in large population cohorts (gnomAD); In silico analysis indicates that this missense variant does not alter protein structure/function; Has not been previously published as pathogenic or benign to our knowledge

NM_015046.7(SETX):c.1644G>C (p.Gln548His)

Gene: SETX (senataxin; minus strand). Cytogenetic location: 9q34.13.
Variant type: single nucleotide variant.
Coding change: c.1644G>C on transcript NM_015046.7 (MANE Select); coding-DNA position 1644, G replaced by C.
Protein change: p.Gln548His; replaces glutamine 548 with histidine.
Molecular consequence: missense variant.
Genome position (GRCh38, 1-based): chr9:132,329,954, C>G on the plus strand (G>C on the coding strand, the complement: SETX is on the minus strand). VCF-style: chr9-132329954-C-G. GRCh37 (hg19) VCF-style: chr9-135205341-C-G.
Other names: c.1644G>C, p.Gln548His (NM_001351527.2, NM_001351528.2); short protein forms Q548H.
Identifiers: ClinVar variation 3390475 (VCV003390475.1).